The following is an entry in ClinVar:

NM_001005373.4(LRSAM1):c.2074C>G (p.His692Asp)

Gene: LRSAM1 (leucine rich repeat and sterile alpha motif containing 1; plus strand). Cytogenetic location: 9q34.11.
Variant type: single nucleotide variant.
Coding change: c.2074C>G on transcript NM_001005373.4 (MANE Select); coding-DNA position 2074, C replaced by G.
Protein change: p.His692Asp; replaces histidine 692 with aspartic acid.
Molecular consequence: missense variant. On other transcripts: non-coding transcript variant (2).
Genome position (GRCh38, 1-based): chr9:127,502,801, C>G. VCF-style: chr9-127502801-C-G. GRCh37 (hg19) VCF-style: chr9-130265080-C-G.
Other names: c.2074C>G, p.His692Asp (NM_001005374.4, NM_001384142.1, NM_138361.5); c.1993C>G, p.His665Asp (NM_001190723.3); c.1975C>G, p.His659Asp (NM_001384143.1); c.1285C>G, p.His429Asp (NM_001384144.1); short protein forms H429D, H659D, H665D, H692D.
Identifiers: ClinVar variation 998669 (VCV000998669.7), dbSNP rs1836445139, ClinGen allele CA374938634.

ClinVar aggregate classification (germline): Uncertain significance (1 of 4 stars; one submission).

Conditions:
Charcot-Marie-Tooth disease axonal type 2P. Also called: CHARCOT-MARIE-TOOTH NEUROPATHY, TYPE 2P; Charcot-Marie-Tooth Neuropathy Type 2G; CHARCOT-MARIE-TOOTH DISEASE, AXONAL, TYPE 2G; CMT 2G. Identifiers: Orphanet 300319, Orphanet 99941, MedGen C3280797, MONDO:0013753, OMIM 614436.

Submission:

Labcorp Genetics (formerly Invitae), Labcorp
Classification: Uncertain significance for Charcot-Marie-Tooth disease axonal type 2P. Last evaluated: 2021-09-08. Review status: criteria provided, single submitter. Criteria: Invitae Variant Classification Sherloc (09022015). Collection method: clinical testing. Allele origin: germline.
Comment: This sequence change replaces histidine with aspartic acid at codon 692 of the LRSAM1 protein (p.His692Asp). The histidine residue is highly conserved and there is a moderate physicochemical difference between histidine and aspartic acid. This variant is not present in population databases (ExAC no frequency). This variant has not been reported in the literature in individuals affected with LRSAM1-related conditions. Algorithms developed to predict the effect of missense changes on protein structure and function (SIFT, PolyPhen-2, Align-GVGD) all suggest that this variant is likely to be disruptive. In summary, the available evidence is currently insufficient to determine the role of this variant in disease. Therefore, it has been classified as a Variant of Uncertain Significance.